The following is an entry in ClinVar:

ClinVar aggregate classification (germline): Likely pathogenic (1 of 4 stars; one submission).

Conditions:
Joubert syndrome and related disorders. Identifiers: Orphanet 140874, MedGen C5679612, MONDO:0015369.

gnomAD v4.1: 9 of 1,614,096 alleles (0.00056%); highest among the groups gnomAD compares: Non-Finnish European, 0.00076%; no homozygotes.

Submission:

Women's Health and Genetics/Laboratory Corporation of America, LabCorp
Classification: Likely pathogenic for Joubert syndrome and related disorders. Last evaluated: 2025-06-17. Review status: criteria provided, single submitter. Criteria: LabCorp Variant Classification Summary - May 2015. Collection method: clinical testing. Allele origin: germline.
Comment: Variant summary: CEP104 c.891+1G>A is located in a canonical splice-site and is predicted to affect mRNA splicing resulting in a significantly altered protein due to either exon skipping, shortening, or inclusion of intronic material. Variants that disrupt the consensus splice site are a relatively common cause of aberrant splicing and loss of CEP104 function. Several computational tools predict a significant impact on normal splicing: Three predict the variant abolishes a 5' splicing donor site. However, these predictions have yet to be confirmed by functional studies. The variant was absent in 251068 control chromosomes. To our knowledge, no occurrence of c.891+1G>A in individuals affected with Joubert Syndrome And Related Disorders and no experimental evidence demonstrating its impact on protein function have been reported. No submitters have cited clinical-significance assessments for this variant to ClinVar. Based on the evidence outlined above, the variant was classified as likely pathogenic.

NM_014704.4(CEP104):c.891+1G>A

Gene: CEP104 (centrosomal protein 104; minus strand). Cytogenetic location: 1p36.32.
Variant type: single nucleotide variant.
Coding change: c.891+1G>A on transcript NM_014704.4 (MANE Select); the canonical splice donor site of the intron after coding-DNA position 891, G replaced by A.
Molecular consequence: splice donor variant.
Genome position (GRCh38, 1-based): chr1:3,838,963, C>T on the plus strand (G>A on the coding strand, the complement: CEP104 is on the minus strand). VCF-style: chr1-3838963-C-T. GRCh37 (hg19) VCF-style: chr1-3755527-C-T.
Identifiers: ClinVar variation 3907074 (VCV003907074.1).